The following is an entry in ClinVar:

ClinVar aggregate classification (germline): Uncertain significance (1 of 4 stars; one submission).

Conditions:
LAMB2-related infantile-onset nephrotic syndrome. Also called: NEPHROTIC SYNDROME, TYPE 5, WITHOUT OCULAR ABNORMALITIES; NEPHROTIC SYNDROME, TYPE 5, WITH OCULAR ABNORMALITIES; Nephrotic Syndrome, type 5. Identifiers: Orphanet 306507, MedGen C3280113, MONDO:0013621, OMIM 614199.
Pierson syndrome. Also called: MICROCORIA-CONGENITAL NEPHROTIC SYNDROME. Identifiers: Orphanet 2670, MedGen C1836876, MONDO:0012184, OMIM 609049.

gnomAD v4.1: 1 of 1,613,630 alleles (0.000062%); highest among the groups gnomAD compares: African/African-American, 0.0013%; no homozygotes.

Submission:

Labcorp Genetics (formerly Invitae), Labcorp
Classification: Uncertain significance for LAMB2-related infantile-onset nephrotic syndrome; Pierson syndrome. Last evaluated: 2020-12-09. Review status: criteria provided, single submitter. Criteria: Invitae Variant Classification Sherloc (09022015). Collection method: clinical testing. Allele origin: germline.
Comment: This sequence change replaces proline with alanine at codon 73 of the LAMB2 protein (p.Pro73Ala). The proline residue is highly conserved and there is a small physicochemical difference between proline and alanine. This variant is not present in population databases (ExAC no frequency). This variant has not been reported in the literature in individuals with LAMB2-related conditions. Algorithms developed to predict the effect of missense changes on protein structure and function (SIFT, PolyPhen-2, Align-GVGD) all suggest that this variant is likely to be tolerated, but these predictions have not been confirmed by published functional studies and their clinical significance is uncertain. In summary, the available evidence is currently insufficient to determine the role of this variant in disease. Therefore, it has been classified as a Variant of Uncertain Significance.

NM_002292.4(LAMB2):c.217C>G (p.Pro73Ala)

Gene: LAMB2 (laminin subunit beta 2; minus strand). Cytogenetic location: 3p21.31.
Variant type: single nucleotide variant.
Coding change: c.217C>G on transcript NM_002292.4 (MANE Select); coding-DNA position 217, C replaced by G.
Protein change: p.Pro73Ala; replaces proline 73 with alanine.
Molecular consequence: missense variant.
Genome position (GRCh38, 1-based): chr3:49,132,523, G>C on the plus strand (C>G on the coding strand, the complement: LAMB2 is on the minus strand). VCF-style: chr3-49132523-G-C. GRCh37 (hg19) VCF-style: chr3-49169956-G-C.
Other names: short protein forms P73A.
Identifiers: ClinVar variation 1492571 (VCV001492571.8), dbSNP rs1409779718, ClinGen allele CA352755582.